The following is an entry in ClinVar:

ClinVar aggregate classification (germline): Uncertain significance. Review status: criteria provided, multiple submitters, no conflicts (2 of 4 stars). 4 submissions from 3 submitters: Uncertain significance (4). Last evaluated 2025-08-25.

Conditions:
Retinitis pigmentosa 39 (RP39). Identifiers: Orphanet 791, MedGen C3151138, MONDO:0013436, OMIM 613809.
Usher syndrome type 2A. Also called: RETINAL DISEASE IN USHER SYNDROME TYPE IIA, MODIFIER OF; USHER SYNDROME, TYPE IIA. Identifiers: Orphanet 231178, Orphanet 886, MedGen C1848634, MONDO:0010169, OMIM 276901.

Allele frequency attached by ClinVar (database versions not stated): gnomAD 0.00001; gnomAD exomes 0.00001; TOPMed 0.00001.
gnomAD v4.1: 11 of 1,613,050 alleles (0.00068%); highest among the groups gnomAD compares: African/African-American, 0.0013%; no homozygotes.

Submissions (4):

Labcorp Genetics (formerly Invitae), Labcorp
Classification: Uncertain significance. Last evaluated: 2025-08-25. Review status: criteria provided, single submitter. Criteria: Invitae Variant Classification Sherloc (09022015). Collection method: clinical testing. Allele origin: germline.
Comment: This sequence change replaces glycine, which is neutral and non-polar, with valine, which is neutral and non-polar, at codon 1668 of the USH2A protein (p.Gly1668Val). This variant is present in population databases (no rsID available, gnomAD 0.004%). This variant has not been reported in the literature in individuals affected with USH2A-related conditions. ClinVar contains an entry for this variant (Variation ID: 598989). Invitae Evidence Modeling of protein sequence and biophysical properties (such as structural, functional, and spatial information, amino acid conservation, physicochemical variation, residue mobility, and thermodynamic stability) indicates that this missense variant is expected to disrupt USH2A protein function with a positive predictive value of 95%. In summary, the available evidence is currently insufficient to determine the role of this variant in disease. Therefore, it has been classified as a Variant of Uncertain Significance.

Genome-Nilou Lab
Classification: Uncertain significance for Retinitis pigmentosa 39. Last evaluated: 2023-11-04. Review status: criteria provided, single submitter. Criteria: ACMG Guidelines, 2015. Collection method: clinical testing. Allele origin: germline. Affected: no.

Genome-Nilou Lab
Classification: Uncertain significance for Usher syndrome type 2A. Last evaluated: 2023-11-04. Review status: criteria provided, single submitter. Criteria: ACMG Guidelines, 2015. Collection method: clinical testing. Allele origin: germline. Affected: no.

Center for Personalized Medicine, Children's Hospital Los Angeles
Classification: Uncertain significance. Last evaluated: 2018-11-19. Review status: criteria provided, single submitter. Criteria: ACMG Guidelines, 2015. Collection method: clinical testing. Allele origin: germline. Affected: yes.

NM_206933.4(USH2A):c.5003G>T (p.Gly1668Val)

Genes: USH2A (usherin; minus strand), USH2A-AS2 (USH2A antisense RNA 2; plus strand). Cytogenetic location: 1q41.
Variant type: single nucleotide variant.
Coding change: c.5003G>T on transcript NM_206933.4 (MANE Select); coding-DNA position 5003, G replaced by T.
Protein change: p.Gly1668Val; replaces glycine 1668 with valine.
Molecular consequence: missense variant.
Genome position (GRCh38, 1-based): chr1:216,084,862, C>A on the plus strand (G>T on the coding strand, the complement: USH2A is on the minus strand). VCF-style: chr1-216084862-C-A. GRCh37 (hg19) VCF-style: chr1-216258204-C-A.
Other names: short protein forms G1668V.
Identifiers: ClinVar variation 598989 (VCV000598989.10), dbSNP rs1265349835, ClinGen allele CA344859332.